The following is an entry in ClinVar:

ClinVar aggregate classification (germline): Uncertain significance (1 of 4 stars; one submission).

Conditions:
CHARGE syndrome (CHARGE). Also called: Hittner Hirsch Kreh syndrome; CHARGE ASSOCIATION--COLOBOMA, HEART ANOMALY, CHOANAL ATRESIA, RETARDATION, GENITAL AND EAR ANOMALIES; Coloboma, heart anomaly, choanal atresia, retardation, genital and ear anomalies; CHARGE association; Hall-Hittner syndrome. Identifiers: Orphanet 138, MedGen C0265354, MONDO:0008965.

Submission:

Labcorp Genetics (formerly Invitae), Labcorp
Classification: Uncertain significance for CHARGE syndrome. Last evaluated: 2023-08-02. Review status: criteria provided, single submitter. Criteria: Invitae Variant Classification Sherloc (09022015). Collection method: clinical testing. Allele origin: germline.
Comment: In summary, the available evidence is currently insufficient to determine the role of this variant in disease. Therefore, it has been classified as a Variant of Uncertain Significance. Advanced modeling of protein sequence and biophysical properties (such as structural, functional, and spatial information, amino acid conservation, physicochemical variation, residue mobility, and thermodynamic stability) performed at Invitae indicates that this missense variant is not expected to disrupt CHD7 protein function. This variant has not been reported in the literature in individuals affected with CHD7-related conditions. This variant is not present in population databases (gnomAD no frequency). This sequence change replaces threonine, which is neutral and polar, with alanine, which is neutral and non-polar, at codon 2828 of the CHD7 protein (p.Thr2828Ala).

NM_017780.4(CHD7):c.8482A>G (p.Thr2828Ala)

Gene: CHD7 (chromodomain helicase DNA binding protein 7; plus strand). Cytogenetic location: 8q12.2.
Variant type: single nucleotide variant.
Coding change: c.8482A>G on transcript NM_017780.4 (MANE Select); coding-DNA position 8482, A replaced by G.
Protein change: p.Thr2828Ala; replaces threonine 2828 with alanine.
Molecular consequence: missense variant.
Genome position (GRCh38, 1-based): chr8:60,865,421, A>G. VCF-style: chr8-60865421-A-G. GRCh37 (hg19) VCF-style: chr8-61777980-A-G.
Other names: c.2335A>G, p.Thr779Ala (NM_001316690.1); short protein forms T2828A, T779A.
Identifiers: ClinVar variation 2911095 (VCV002911095.3), dbSNP rs2488147971, ClinGen allele CA371309807.
Genomic context (GRCh38, chr8:60,865,421, plus strand): 5'-AACGTGTTTGGCTTGGGCGGGCTGTTGAATAACCCTCTGTCAGCTGCTACTGGAAACACC[A>G]CTACTGCTTCTAGTCAAGGAGAACCGGAAGACAGCACTTCAAAAGGAGAGGAGAAAGGAA-3'
Protein context (NP_060250.2, residues 2818-2838): NPLSAATGNT[Thr2828Ala]TASSQGEPED